The following is an entry in ClinVar:

ClinVar aggregate classification (germline): Likely benign. Review status: criteria provided, multiple submitters, no conflicts (2 of 4 stars). 2 submissions from 2 submitters: Likely benign (2). Last evaluated 2024-02-05.

Conditions:
Glycine encephalopathy. Also called: Non-ketotic hyperglycinemia; Nonketotic hyperglycinemia. Identifiers: Orphanet 407, MedGen C0751748, MONDO:0011612, HP:0008288.

Allele frequency attached by ClinVar (database versions not stated): gnomAD exomes 0.00001; TOPMed 0.00001.
gnomAD v4.1: 10 of 1,609,676 alleles (0.00062%); highest among the groups gnomAD compares: East Asian, 0.0045%; no homozygotes.

Submissions (2):

Labcorp Genetics (formerly Invitae), Labcorp
Classification: Likely benign for Glycine encephalopathy. Last evaluated: 2024-02-05. Review status: criteria provided, single submitter. Criteria: Invitae Variant Classification Sherloc (09022015). Collection method: clinical testing. Allele origin: germline.

CeGaT Center for Human Genetics Tuebingen
Classification: Likely benign. Last evaluated: 2022-10-01. Review status: criteria provided, single submitter. Criteria: CeGaT Center For Human Genetics Tuebingen Variant Classification Criteria Version 2. Collection method: clinical testing. Allele origin: germline. Affected: yes. Observed: 1 variant allele.
Comment: GLDC: PM2:Supporting, BP4, BP7

NM_000170.3(GLDC):c.1704C>T (p.Leu568=)

Gene: GLDC (glycine decarboxylase; minus strand). Cytogenetic location: 9p24.1.
Variant type: single nucleotide variant.
Coding change: c.1704C>T on transcript NM_000170.3 (MANE Select); coding-DNA position 1704, C replaced by T.
Protein change: p.Leu568=; no amino-acid change (leucine 568 retained).
Molecular consequence: synonymous variant.
Genome position (GRCh38, 1-based): chr9:6,588,404, G>A on the plus strand (C>T on the coding strand, the complement: GLDC is on the minus strand). VCF-style: chr9-6588404-G-A. GRCh37 (hg19) VCF-style: chr9-6588404-G-A.
Identifiers: ClinVar variation 1084345 (VCV001084345.33), dbSNP rs919319637, ClinGen allele CA188663012.